The following is an entry in ClinVar:

NM_001783.4(CD79A):c.419C>A (p.Thr140Asn)

Genes: CD79A (CD79a molecule; plus strand), RPS19-CD79A (RPS19-CD79A readthrough; plus strand). Cytogenetic location: 19q13.2.
Variant type: single nucleotide variant.
Coding change: c.419C>A on transcript NM_001783.4 (MANE Select); coding-DNA position 419, C replaced by A.
Protein change: p.Thr140Asn; replaces threonine 140 with asparagine.
Molecular consequence: missense variant.
Genome position (GRCh38, 1-based): chr19:41,879,574, C>A. VCF-style: chr19-41879574-C-A. GRCh37 (hg19) VCF-style: chr19-42383644-C-A.
Other names: c.305C>A, p.Thr102Asn (NM_021601.4); short protein forms T140N, T102N.
Identifiers: ClinVar variation 133835 (VCV000133835.28), dbSNP rs148797987, ClinGen allele CA157918.
Genomic context (GRCh38, chr19:41,879,574, plus strand): 5'-AGCCATACTACCTCCTTGCAGAGCCGCCCCCCAGGCCCTTCCTGGACATGGGGGAGGGCA[C>A]CAAGAACCGAATCATCACAGCCGAGGGGATCATCCTCCTGTTCTGCGCGGTGGTGCCTGG-3'
Protein context (NP_001774.1, residues 130-150): PRPFLDMGEG[Thr140Asn]KNRIITAEGI

ClinVar aggregate classification (germline): Conflicting classifications of pathogenicity. Review status: criteria provided, conflicting classifications (1 of 4 stars). 9 submissions from 9 submitters: Uncertain significance (3); Likely benign (3). 3 of the submissions do not count toward it. Last evaluated 2026-02-05.

Conditions:
Agammaglobulinemia 3, autosomal recessive (AGM3). Also called: AGAMMAGLOBULINEMIA 3; AGAMMAGLOBULINEMIA, AUTOSOMAL RECESSIVE, DUE TO CD79A DEFECT. Identifiers: MedGen C3150751, MONDO:0013288, OMIM 613501.

Allele frequency attached by ClinVar (database versions not stated): gnomAD 0.00126 and 0.00133; TOPMed 0.00161; ESP Exome Variant Server 0.00192; 1000 Genomes Project 0.00260; 1000 Genomes Project 30x 0.00265.

Submissions (9):

Women's Health and Genetics/Laboratory Corporation of America, LabCorp
Classification: Likely benign. Last evaluated: 2026-02-05. Review status: criteria provided, single submitter. Criteria: LabCorp Variant Classification Summary - May 2015. Collection method: clinical testing. Allele origin: germline.
Comment: Variant summary: CD79A c.419C>A (p.Thr140Asn) results in a non-conservative amino acid change in the encoded protein sequence. Algorithms developed to predict the effect of missense changes on protein structure and function all suggest that this variant is likely to be disruptive. The variant allele was found at a frequency of 0.0013 in 243868 control chromosomes. The observed variant frequency exceeds the estimated maximal expected allele frequency for disease-causing variants in CD79A. To our knowledge, no occurrence of c.419C>A in individuals affected with CD79A-related conditions and no experimental evidence demonstrating its impact on protein function have been reported. ClinVar contains an entry for this variant (Variation ID: 133835). Based on the evidence outlined above, the variant was classified as likely benign.

Labcorp Genetics (formerly Invitae), Labcorp
Classification: Likely benign for Agammaglobulinemia 3, autosomal recessive. Last evaluated: 2026-01-28. Review status: criteria provided, single submitter. Criteria: Invitae Variant Classification Sherloc (09022015). Collection method: clinical testing. Allele origin: germline.

Blueprint Genetics
Classification: Likely benign. Last evaluated: 2024-11-27. Review status: criteria provided, single submitter. Criteria: ACMG Guidelines, 2015. Collection method: clinical testing. Allele origin: germline.

ARUP Laboratories, Molecular Genetics and Genomics, ARUP Laboratories
Classification: Uncertain significance for Agammaglobulinemia 3, autosomal recessive. Last evaluated: 2023-08-15. Review status: criteria provided, single submitter. Criteria: ARUP Molecular Germline Variant Investigation Process 2024. Collection method: clinical testing. Allele origin: germline.
Comment: The CD79A c.419C>A; p.Thr140Asn variant (rs148797987; ClinVar Variation ID: 133835) is reported in the literature in an individual affected with common variable immunodeficiency, although it was not demonstrated to be pathogenic (Van Schouwenburg 2015). This variant is found in the non-Finnish European population with an overall allele frequency of 0.13% (363/275,170 alleles) in the Genome Aggregation Database. The threonine at codon 140 is highly conserved but computational analyses are uncertain whether this variant is neutral or deleterious (REVEL: 0.408). Based on the available information, the clinical significance of this variant is uncertain. References: Van Schouwenburg et al. Application of whole genome and RNA sequencing to investigate the genomic landscape of common variable immunodeficiency disorders. Clin Immunol. 2015 Oct;160(2):301-14.

GeneDx
Classification: Uncertain significance. Last evaluated: 2022-10-05. Review status: criteria provided, single submitter. Criteria: GeneDx Variant Classification Process June 2021. Collection method: clinical testing. Allele origin: germline. Affected: yes.
Comment: Reported in two patients with common variable immunodeficiency disorder who also harbored an additional missense variant in the CD79A gene; however, the phase was not reported for these variants (van Schouwenburg et al., 2015); In silico analysis supports that this missense variant has a deleterious effect on protein structure/function; This variant is associated with the following publications: (PMID: 24728327, 26122175, 33772212)

Baylor Genetics
Classification: Uncertain significance for Agammaglobulinemia 3, autosomal recessive. Last evaluated: 2019-03-20. Review status: criteria provided, single submitter. Criteria: ACMG Guidelines, 2015. Collection method: clinical testing. Allele origin: paternal. Affected: yes.
Comment: This variant was determined to be of uncertain significance according to ACMG Guidelines, 2015 [PMID:25741868].

ITMI
No classification provided. Condition: AllHighlyPenetrant. Last evaluated: 2013-09-19. Review status: no classification provided. Collection method: reference population. Allele origin: germline. Not counted in ClinVar's aggregate classification.
Comment: Please see associated publication for description of ethnicities

Clinical Genetics DNA and cytogenetics Diagnostics Lab, Erasmus MC, Erasmus Medical Center
Classification: Uncertain significance. Review status: no assertion criteria provided. Collection method: clinical testing. Allele origin: germline. Affected: yes. Study: VKGL Data-share Consensus. Not counted in ClinVar's aggregate classification.

Diagnostic Laboratory, Department of Genetics, University Medical Center Groningen
Classification: Uncertain significance. Review status: no assertion criteria provided. Collection method: clinical testing. Allele origin: germline. Affected: yes. Study: VKGL Data-share Consensus. Not counted in ClinVar's aggregate classification.

Literature cited by the submitters: PubMed 24728327 (cited by ITMI).